The following is an entry in ClinVar:

NC_000018.9:g.(?_55222057)_(55225777_?)del

Gene: FECH (ferrochelatase; minus strand). Cytogenetic location: 18q21.31.
Variant type: Deletion.
Identifiers: ClinVar variation 2422455 (VCV002422455.4).

ClinVar aggregate classification (germline): Pathogenic (1 of 4 stars; one submission).

Submission:

Labcorp Genetics (formerly Invitae), Labcorp
Classification: Pathogenic. Last evaluated: 2022-04-19. Review status: criteria provided, single submitter. Criteria: Invitae Variant Classification Sherloc (09022015). Collection method: clinical testing. Allele origin: germline.
Comment: This variant is a gross deletion of the genomic region encompassing exon(s) 8 of the FECH gene. This variant would be expected to be in-frame, preserving the integrity of the reading frame. This variant has not been reported in the literature in individuals affected with FECH-related conditions. This variant disrupts a region of the FECH protein in which other variant(s) (p.Asp274Asn) have been determined to be pathogenic (PMID: 16385445, 18787536). This suggests that this is a clinically significant region of the protein, and that variants that disrupt it are likely to be disease-causing. For these reasons, this variant has been classified as Pathogenic.

Literature cited by the submitters: PubMed 16385445; PubMed 18787536.